The following is an entry in ClinVar:

NM_020365.5(EIF2B3):c.895C>T (p.Arg299Cys)

Gene: EIF2B3 (eukaryotic translation initiation factor 2B subunit gamma; minus strand). Cytogenetic location: 1p34.1.
Variant type: single nucleotide variant.
Coding change: c.895C>T on transcript NM_020365.5 (MANE Select); coding-DNA position 895, C replaced by T.
Protein change: p.Arg299Cys; replaces arginine 299 with cysteine.
Molecular consequence: missense variant.
Genome position (GRCh38, 1-based): chr1:44,879,898, G>A on the plus strand (C>T on the coding strand, the complement: EIF2B3 is on the minus strand). VCF-style: chr1-44879898-G-A. GRCh37 (hg19) VCF-style: chr1-45345570-G-A.
Other names: c.895C>T, p.Arg299Cys (NM_001166588.3, NM_001261418.2); c.895C>T (NM_020365.3); short protein forms R299C.
Identifiers: ClinVar variation 3573798 (VCV003573798.11).
Genomic context (GRCh38, chr1:44,879,898, plus strand): 5'-AGAGTCCCAGTGTGCTCACTCGAGAGCAGAGCCCCTCTTTCATGATGTGGACATAGCAGC[G>A]CACCTGTGATCTGGACAAGTCTTCCCACCTGTCTCCTCGACAGGCATTCCAGCAGGCATC-3'
Protein context (NP_065098.1, residues 289-309): RWEDLSRSQV[Arg299Cys]CYVHIMKEGL

ClinVar aggregate classification (germline): Uncertain significance. Review status: criteria provided, multiple submitters, no conflicts (2 of 4 stars). 3 submissions from 3 submitters: Uncertain significance (3). Last evaluated 2025-05-01.

Conditions:
Inborn genetic diseases. Identifiers: MedGen C0950123, MeSH D030342.

gnomAD v4.1: 94 of 1,613,990 alleles (0.0058%); highest among the groups gnomAD compares: Non-Finnish European, 0.0074%; no homozygotes.

Submissions (3):

Ambry Genetics
Classification: Uncertain significance for Inborn genetic diseases. Last evaluated: 2025-05-01. Review status: criteria provided, single submitter. Criteria: Ambry Variant Classification Scheme 2023. Collection method: clinical testing. Allele origin: germline.

CeGaT Center for Human Genetics Tuebingen
Classification: Uncertain significance. Last evaluated: 2025-05-01. Review status: criteria provided, single submitter. Criteria: CeGaT Center For Human Genetics Tuebingen Variant Classification Criteria Version 2. Collection method: clinical testing. Allele origin: germline. Affected: yes. Observed: 1 variant allele.
Comment: EIF2B3: PM2

GeneDx
Classification: Uncertain significance. Last evaluated: 2024-07-19. Review status: criteria provided, single submitter. Criteria: GeneDx Variant Classification Process June 2021. Collection method: clinical testing. Allele origin: germline. Affected: yes.
Comment: In silico analysis supports that this missense variant has a deleterious effect on protein structure/function; Has not been previously published as pathogenic or benign to our knowledge